The following is an entry in ClinVar:

ClinVar aggregate classification (germline): Uncertain significance (1 of 4 stars; one submission).

gnomAD v4.1: 13 of 1,605,382 alleles (0.00081%); highest among the groups gnomAD compares: Admixed American, 0.0034%; no homozygotes.

Submission:

CeGaT Center for Human Genetics Tuebingen
Classification: Uncertain significance. Last evaluated: 2026-04-01. Review status: criteria provided, single submitter. Criteria: CeGaT Center For Human Genetics Tuebingen Variant Classification Criteria Version 2. Collection method: clinical testing. Allele origin: germline. Affected: yes. Observed: 1 variant allele.
Comment: SUCLA2: PM2, BP4

NM_003850.3(SUCLA2):c.22G>A (p.Gly8Ser)

Gene: SUCLA2 (succinate-CoA ligase ADP-forming subunit beta; minus strand). Cytogenetic location: 13q14.2.
Variant type: single nucleotide variant.
Coding change: c.22G>A on transcript NM_003850.3 (MANE Select); coding-DNA position 22, G replaced by A.
Protein change: p.Gly8Ser; replaces glycine 8 with serine.
Molecular consequence: missense variant.
Genome position (GRCh38, 1-based): chr13:48,001,248, C>T on the plus strand (G>A on the coding strand, the complement: SUCLA2 is on the minus strand). VCF-style: chr13-48001248-C-T. GRCh37 (hg19) VCF-style: chr13-48575384-C-T.
Other names: short protein forms G8S.
Identifiers: ClinVar variation 4872468 (VCV004872468.2).